The following is an entry in ClinVar:

NM_004991.4(MECOM):c.2135A>C (p.Asp712Ala)

Gene: MECOM (MDS1 and EVI1 complex locus; minus strand). Cytogenetic location: 3q26.2.
Variant type: single nucleotide variant.
Coding change: c.2135A>C on transcript NM_004991.4 (MANE Select); coding-DNA position 2135, A replaced by C.
Protein change: p.Asp712Ala; replaces aspartic acid 712 with alanine.
Molecular consequence: missense variant.
Genome position (GRCh38, 1-based): chr3:169,115,737, T>G on the plus strand (A>C on the coding strand, the complement: MECOM is on the minus strand). VCF-style: chr3-169115737-T-G. GRCh37 (hg19) VCF-style: chr3-168833525-T-G.
Other names: c.1766A>C, p.Asp589Ala (NM_001105077.4); c.1571A>C, p.Asp524Ala (NM_001105078.4, NM_001164000.2, NM_001205194.2 and 4 more transcripts); c.1574A>C, p.Asp525Ala (NM_001163999.2, NM_001366467.2, NM_001366468.2 and 1 more transcripts); c.2135A>C, p.Asp712Ala (NM_001366466.2); c.1163A>C, p.Asp388Ala (NM_001366473.2); c.599A>C, p.Asp200Ala (NM_001366474.2); short protein forms D200A, D712A, D524A, D525A, D388A, D589A.
Identifiers: ClinVar variation 3871825 (VCV003871825.1).

ClinVar aggregate classification (germline): Uncertain significance (1 of 4 stars; one submission).

Conditions:
Inborn genetic diseases. Identifiers: MedGen C0950123, MeSH D030342.

Submission:

Ambry Genetics
Classification: Uncertain significance for Inborn genetic diseases. Last evaluated: 2025-02-13. Review status: criteria provided, single submitter. Criteria: Ambry Variant Classification Scheme 2023. Collection method: clinical testing. Allele origin: germline.
Comment: The p.D712A variant (also known as c.2135A>C), located in coding exon 8 of the MECOM gene, results from an A to C substitution at nucleotide position 2135. The aspartic acid at codon 712 is replaced by alanine, an amino acid with dissimilar properties. This amino acid position is conserved. In addition, this alteration is predicted to be tolerated by in silico analysis. Based on the available evidence, the clinical significance of this variant remains unclear.